The following is an entry in ClinVar:

NM_012213.3(MLYCD):c.862T>C (p.Phe288Leu)

Genes: MLYCD (malonyl-CoA decarboxylase; plus strand), LOC126862422 (CDK7 strongly-dependent group 2 enhancer GRCh37_chr16:83945234-83946433; plus strand). Cytogenetic location: 16q23.3.
Variant type: single nucleotide variant.
Coding change: c.862T>C on transcript NM_012213.3 (MANE Select); coding-DNA position 862, T replaced by C.
Protein change: p.Phe288Leu; replaces phenylalanine 288 with leucine.
Molecular consequence: missense variant.
Genome position (GRCh38, 1-based): chr16:83,912,281, T>C. VCF-style: chr16-83912281-T-C. GRCh37 (hg19) VCF-style: chr16-83945886-T-C.
Other names: short protein forms F288L.
Identifiers: ClinVar variation 1992675 (VCV001992675.4), dbSNP rs1345321228, ClinGen allele CA396919252.
Genomic context (GRCh38, chr16:83,912,281, plus strand): 5'-ATCGTGAAGGAACATCCTCCATCAGAAACAGAAGAGAAGAACAAAATCACTGCTGCGATC[T>C]TTTATTCCATCAGCTTGACCCAGCAGGGACTCCAAGGGGTGGAGCTGGGAACATTCCTCA-3'
Protein context (NP_036345.2, residues 278-298): EEKNKITAAI[Phe288Leu]YSISLTQQGL

ClinVar aggregate classification (germline): Uncertain significance (1 of 4 stars; one submission).

Conditions:
Deficiency of malonyl-CoA decarboxylase. Also called: Malonic aciduria; MCD deficiency. Identifiers: Orphanet 943, MedGen C0342793, MONDO:0009556, OMIM 248360.

Submission:

Labcorp Genetics (formerly Invitae), Labcorp
Classification: Uncertain significance for Deficiency of malonyl-CoA decarboxylase. Last evaluated: 2022-05-10. Review status: criteria provided, single submitter. Criteria: Invitae Variant Classification Sherloc (09022015). Collection method: clinical testing. Allele origin: germline.
Comment: In summary, the available evidence is currently insufficient to determine the role of this variant in disease. Therefore, it has been classified as a Variant of Uncertain Significance. Advanced modeling of protein sequence and biophysical properties (such as structural, functional, and spatial information, amino acid conservation, physicochemical variation, residue mobility, and thermodynamic stability) performed at Invitae indicates that this missense variant is expected to disrupt MLYCD protein function. This variant has not been reported in the literature in individuals affected with MLYCD-related conditions. This variant is not present in population databases (gnomAD no frequency). This sequence change replaces phenylalanine, which is neutral and non-polar, with leucine, which is neutral and non-polar, at codon 288 of the MLYCD protein (p.Phe288Leu).